The following is an entry in ClinVar:

NM_005932.4(MIPEP):c.791G>A (p.Arg264Gln)

Gene: MIPEP (mitochondrial intermediate peptidase; minus strand). Cytogenetic location: 13q12.12.
Variant type: single nucleotide variant.
Coding change: c.791G>A on transcript NM_005932.4 (MANE Select); coding-DNA position 791, G replaced by A.
Protein change: p.Arg264Gln; replaces arginine 264 with glutamine.
Molecular consequence: missense variant.
Genome position (GRCh38, 1-based): chr13:23,869,444, C>T on the plus strand (G>A on the coding strand, the complement: MIPEP is on the minus strand). VCF-style: chr13-23869444-C-T. GRCh37 (hg19) VCF-style: chr13-24443583-C-T.
Other names: short protein forms R264Q.
Identifiers: ClinVar variation 3376966 (VCV003376966.1).

ClinVar aggregate classification (germline): Uncertain significance (1 of 4 stars; one submission).

Conditions:
Lethal left ventricular non-compaction-seizures-hypotonia-cataract-developmental delay syndrome. Also called: Combined oxidative phosphorylation deficiency 31. Identifiers: Orphanet 478049, MedGen C4310661, MONDO:0014976, OMIM 617228.

gnomAD v4.1: 14 of 1,602,262 alleles (0.00087%); highest among the groups gnomAD compares: South Asian, 0.0034%; no homozygotes.

Submission:

Victorian Clinical Genetics Services, Murdoch Childrens Research Institute
Classification: Uncertain significance for Lethal left ventricular non-compaction-seizures-hypotonia-cataract-developmental delay syndrome. Last evaluated: 2024-10-08. Review status: criteria provided, single submitter. Criteria: ACMG Guidelines, 2015. Collection method: clinical testing. Allele origin: germline. Inheritance: Autosomal recessive inheritance. Affected: yes.
Comment: Based on the classification scheme VCGS_Germline_v1.3.4, this variant is classified as VUS-3B. Following criteria are met: 0102 - Loss of function is a known mechanism of disease in this gene and is associated with combined oxidative phosphorylation deficiency 31 (MIM#617228) (PMID:34620555, 27799064). (I) 0106 - This gene is associated with autosomal recessive disease. (I) 0200 - Variant is predicted to result in a missense amino acid change from arginine to glutamine. (I) 0251 - This variant is heterozygous. (I) 0304 - Variant is present in gnomAD (v2) <0.01 for a recessive condition (3 heterozygotes, 0 homozygotes). (SP) 0502 - Missense variant with conflicting in silico predictions and uninformative conservation. (I) 0600 - Variant is located in the annotated peptidase family M3 domain (DECIPHER). (I) 0705 - No comparable missense variants have previous evidence for pathogenicity. (I) 0807 - This variant has no previous evidence of pathogenicity. (I) 0905 - No published segregation evidence has been identified for this variant. (I) 1007 - No published functional evidence has been identified for this variant. (I) 1208 - Inheritance information for this variant is not currently available in this individual. (I) Legend: (SP) - Supporting pathogenic, (I) - Information, (SB) - Supporting benign

Literature cited by the submitters: PubMed 27799064; PubMed 34620555.